The following is an entry in ClinVar:

ClinVar aggregate classification (germline): Uncertain significance (1 of 4 stars; one submission).

Conditions:
Idiopathic generalized epilepsy. Also called: Generalised epilepsy; EIG. Identifiers: MedGen C0270850, MONDO:0005579, OMIM 600669.
Hyperaldosteronism, familial, type IV (HALD4). Also called: FH IV; ALDOSTERONISM, PRIMARY, AND HYPERTENSION. Identifiers: Orphanet 642671, MedGen C4310756, MONDO:0014875, OMIM 617027.

Allele frequency attached by ClinVar (database versions not stated): gnomAD 0.00001 and 0.00003; gnomAD exomes 0.00002; TOPMed 0.00002; ExAC 0.00006; 1000 Genomes Project 30x 0.00016; 1000 Genomes Project 0.00020.
gnomAD v4.1: 31 of 1,609,384 alleles (0.0019%); highest among the groups gnomAD compares: South Asian, 0.0044%; no homozygotes.

Submission:

Labcorp Genetics (formerly Invitae), Labcorp
Classification: Uncertain significance for Idiopathic generalized epilepsy; Hyperaldosteronism, familial, type IV. Last evaluated: 2024-10-09. Review status: criteria provided, single submitter. Criteria: Invitae Variant Classification Sherloc (09022015). Collection method: clinical testing. Allele origin: germline.
Comment: This sequence change replaces threonine, which is neutral and polar, with methionine, which is neutral and non-polar, at codon 1697 of the CACNA1H protein (p.Thr1697Met). This variant is present in population databases (rs556827361, gnomAD 0.006%). This variant has not been reported in the literature in individuals affected with CACNA1H-related conditions. ClinVar contains an entry for this variant (Variation ID: 1486778). Invitae Evidence Modeling of protein sequence and biophysical properties (such as structural, functional, and spatial information, amino acid conservation, physicochemical variation, residue mobility, and thermodynamic stability) indicates that this missense variant is not expected to disrupt CACNA1H protein function with a negative predictive value of 80%. In summary, the available evidence is currently insufficient to determine the role of this variant in disease. Therefore, it has been classified as a Variant of Uncertain Significance.

NM_021098.3(CACNA1H):c.5090C>T (p.Thr1697Met)

Gene: CACNA1H (calcium voltage-gated channel subunit alpha1 H; plus strand). Cytogenetic location: 16p13.3.
Variant type: single nucleotide variant.
Coding change: c.5090C>T on transcript NM_021098.3 (MANE Select); coding-DNA position 5090, C replaced by T.
Protein change: p.Thr1697Met; replaces threonine 1697 with methionine.
Molecular consequence: missense variant.
Genome position (GRCh38, 1-based): chr16:1,215,292, C>T. VCF-style: chr16-1215292-C-T. GRCh37 (hg19) VCF-style: chr16-1265292-C-T.
Other names: c.5072C>T, p.Thr1691Met (NM_001005407.2); short protein forms T1691M, T1697M.
Identifiers: ClinVar variation 1486778 (VCV001486778.6), dbSNP rs556827361, ClinGen allele CA7801789.